The following is an entry in ClinVar:

NM_003954.5(MAP3K14):c.1723G>A (p.Ala575Thr)

Gene: MAP3K14 (mitogen-activated protein kinase kinase kinase 14; minus strand). Cytogenetic location: 17q21.31.
Variant type: single nucleotide variant.
Coding change: c.1723G>A on transcript NM_003954.5 (MANE Select); coding-DNA position 1723, G replaced by A.
Protein change: p.Ala575Thr; replaces alanine 575 with threonine.
Molecular consequence: missense variant.
Genome position (GRCh38, 1-based): chr17:45,271,156, C>T on the plus strand (G>A on the coding strand, the complement: MAP3K14 is on the minus strand). VCF-style: chr17-45271156-C-T. GRCh37 (hg19) VCF-style: chr17-43348523-C-T.
Other names: short protein forms A575T.
Identifiers: ClinVar variation 1435420 (VCV001435420.4), dbSNP rs553580666, ClinGen allele CA8614045.
Genomic context (GRCh38, chr17:45,271,156, plus strand): 5'-GGTGGCAGCCGTTGAGCATGTGCAGCATCATACAGCAGCTGCTCCAGACATCCACCTTGG[C>T]GTCGCAGCTCCTGCCCAGCACCACCTCCGGAGCCATGTGGGTCTCTGTGCCAGGGATGTA-3'
Protein context (NP_003945.2, residues 565-585): PEVVLGRSCD[Ala575Thr]KVDVWSSCCM

ClinVar aggregate classification (germline): Uncertain significance. Review status: criteria provided, multiple submitters, no conflicts (2 of 4 stars). 2 submissions from 2 submitters: Uncertain significance (2). Last evaluated 2024-05-08.

Conditions:
NIK deficiency. Also called: Primary immunodeficiency with multifaceted aberrant lymphoid immunity. Identifiers: Orphanet 447731, MedGen C5680065, MONDO:0018642.

Allele frequency attached by ClinVar (database versions not stated): ExAC 0.00001; gnomAD exomes 0.00001 and 0.00003; gnomAD 0.00004 and 0.00005; TOPMed 0.00005; 1000 Genomes Project 30x 0.00016; 1000 Genomes Project 0.00020.
gnomAD v4.1: 56 of 1,613,468 alleles (0.0035%); highest among the groups gnomAD compares: African/African-American, 0.004%; no homozygotes.

Submissions (2):

Blueprint Genetics
Classification: Uncertain significance. Last evaluated: 2024-05-08. Review status: criteria provided, single submitter. Criteria: ACMG Guidelines, 2015. Collection method: clinical testing. Allele origin: germline.

Labcorp Genetics (formerly Invitae), Labcorp
Classification: Uncertain significance for NIK deficiency. Last evaluated: 2020-12-08. Review status: criteria provided, single submitter. Criteria: Invitae Variant Classification Sherloc (09022015). Collection method: clinical testing. Allele origin: germline.
Comment: This sequence change replaces alanine with threonine at codon 575 of the MAP3K14 protein (p.Ala575Thr). The alanine residue is moderately conserved and there is a small physicochemical difference between alanine and threonine. This variant is present in population databases (rs553580666, ExAC 0.002%). This variant has not been reported in the literature in individuals with MAP3K14-related conditions. Experimental studies and prediction algorithms are not available or were not evaluated, and the functional significance of this variant is currently unknown. In summary, the available evidence is currently insufficient to determine the role of this variant in disease. Therefore, it has been classified as a Variant of Uncertain Significance.